The following is an entry in ClinVar:

ClinVar aggregate classification (germline): Uncertain significance (1 of 4 stars; one submission).

Conditions:
Joubert syndrome. Also called: CEREBELLOPARENCHYMAL DISORDER IV; JOUBERT-BOLTSHAUSER SYNDROME; Familial aplasia of the vermis. Identifiers: Orphanet 475, MedGen C5979921, MONDO:0018772.
Orofaciodigital syndrome I (OFD1). Also called: OFDS I; Papillon-Leage and Psaume Syndrome; Oral-Facial-Digital Syndrome Type I. Identifiers: Orphanet 2750, MedGen C1510460, MONDO:0010702, OMIM 311200.

gnomAD v4.1: 7 of 1,208,115 alleles (0.00058%); highest among the groups gnomAD compares: Non-Finnish European, 0.00078%; no homozygotes.

Submission:

Labcorp Genetics (formerly Invitae), Labcorp
Classification: Uncertain significance for Orofaciodigital syndrome I; Joubert syndrome. Last evaluated: 2023-07-25. Review status: criteria provided, single submitter. Criteria: Invitae Variant Classification Sherloc (09022015). Collection method: clinical testing. Allele origin: germline.
Comment: This sequence change replaces histidine, which is basic and polar, with arginine, which is basic and polar, at codon 321 of the OFD1 protein (p.His321Arg). In summary, the available evidence is currently insufficient to determine the role of this variant in disease. Therefore, it has been classified as a Variant of Uncertain Significance. Advanced modeling of protein sequence and biophysical properties (such as structural, functional, and spatial information, amino acid conservation, physicochemical variation, residue mobility, and thermodynamic stability) performed at Invitae indicates that this missense variant is not expected to disrupt OFD1 protein function. This variant has not been reported in the literature in individuals affected with OFD1-related conditions. This variant is not present in population databases (gnomAD no frequency).

NM_003611.3(OFD1):c.962A>G (p.His321Arg)

Gene: OFD1 (OFD1 centriole and centriolar satellite protein; plus strand). Cytogenetic location: Xp22.2.
Variant type: single nucleotide variant.
Coding change: c.962A>G on transcript NM_003611.3 (MANE Select); coding-DNA position 962, A replaced by G.
Protein change: p.His321Arg; replaces histidine 321 with arginine.
Molecular consequence: missense variant. On other transcripts: intron variant (1).
Genome position (GRCh38, 1-based): chrX:13,751,275, A>G. VCF-style: chrX-13751275-A-G. GRCh37 (hg19) VCF-style: chrX-13769394-A-G.
Other names: c.542A>G, p.His181Arg (NM_001330210.2); c.935+1742A>G (NM_001330209.2); short protein forms H181R, H321R.
Identifiers: ClinVar variation 2937419 (VCV002937419.3), dbSNP rs2518868280, ClinGen allele CA412339524.